The following is an entry in ClinVar:

ClinVar aggregate classification (germline): Likely benign. Review status: criteria provided, multiple submitters, no conflicts (2 of 4 stars). 3 submissions from 3 submitters: Likely benign (3). Last evaluated 2026-01-27.

Conditions:
Combined immunodeficiency due to DOCK8 deficiency (HIES2). Also called: HIES autosomal recessive; HYPER-IgE RECURRENT INFECTION SYNDROME 2, AUTOSOMAL RECESSIVE; DOCK8 Deficiency; Hyper-IgE recurrent infection syndrome, autosomal recessive; HYPER-IgE SYNDROME 2, AUTOSOMAL RECESSIVE, WITH RECURRENT INFECTIONS. Identifiers: Orphanet 217390, MedGen C4722305, MONDO:0009478, OMIM 243700.

Allele frequency attached by ClinVar (database versions not stated): TOPMed 0.00003; ExAC 0.00004; gnomAD exomes 0.00005.
gnomAD v4.1: 59 of 1,613,448 alleles (0.0037%); highest among the groups gnomAD compares: Admixed American, 0.0067%; no homozygotes.

Submissions (3):

Labcorp Genetics (formerly Invitae), Labcorp
Classification: Likely benign for Combined immunodeficiency due to DOCK8 deficiency. Last evaluated: 2026-01-27. Review status: criteria provided, single submitter. Criteria: Invitae Variant Classification Sherloc (09022015). Collection method: clinical testing. Allele origin: germline.

Blueprint Genetics
Classification: Likely benign. Last evaluated: 2024-11-19. Review status: criteria provided, single submitter. Criteria: ACMG Guidelines, 2015. Collection method: clinical testing. Allele origin: germline.

GeneDx
Classification: Likely benign. Last evaluated: 2017-12-15. Review status: criteria provided, single submitter. Criteria: GeneDx Variant Classification (06012015). Collection method: clinical testing. Allele origin: germline. Affected: yes.
Comment: This variant is considered likely benign or benign based on one or more of the following criteria: it is a conservative change, it occurs at a poorly conserved position in the protein, it is predicted to be benign by multiple in silico algorithms, and/or has population frequency not consistent with disease.

NM_203447.4(DOCK8):c.741+16T>G

Gene: DOCK8 (dedicator of cytokinesis 8; plus strand). Cytogenetic location: 9p24.3.
Variant type: single nucleotide variant.
Coding change: c.741+16T>G on transcript NM_203447.4 (MANE Select); 16 bases into the intron after coding-DNA position 741, T replaced by G.
Molecular consequence: intron variant.
Genome position (GRCh38, 1-based): chr9:312,182, T>G. VCF-style: chr9-312182-T-G. GRCh37 (hg19) VCF-style: chr9-312182-T-G.
Other names: c.537+16T>G (NM_001193536.2, NM_001190458.2).
Identifiers: ClinVar variation 514203 (VCV000514203.10), dbSNP rs746933009, ClinGen allele CA4957384.